The following is an entry in ClinVar:

ClinVar aggregate classification (germline): Conflicting classifications of pathogenicity. Review status: criteria provided, conflicting classifications (1 of 4 stars). 11 submissions from 11 submitters: Likely pathogenic (1); Uncertain significance (8); Likely benign (1). 1 of the submissions does not count toward it. Last evaluated 2026-08-06.

Conditions:
Hereditary cancer-predisposing syndrome. Also called: Tumor predisposition; Neoplastic Syndromes, Hereditary; Hereditary Cancer Syndrome; Hereditary neoplastic syndrome. Identifiers: Orphanet 140162, MedGen C0027672, MeSH D009386, MONDO:0015356.
Ovarian cancer. Also called: OVARIAN CANCER, SOMATIC. Identifiers: Orphanet 213500, MedGen C1140680, MONDO:0008170, OMIM 167000.
Breast-ovarian cancer, familial, susceptibility to, 3. Also called: RAD51C-Related Breast/Ovarian Cancer. Identifiers: Orphanet 145, MedGen C3150659, MONDO:0013253, OMIM 613399.
Fanconi anemia complementation group O. Also called: RAD51C-Related Fanconi Anemia. Identifiers: Orphanet 84, MedGen C3150653, MONDO:0013248, OMIM 613390.

Allele frequency attached by ClinVar (database versions not stated): 1000 Genomes Project 0.00020; gnomAD exomes 0.00001; 1000 Genomes Project 30x 0.00031; gnomAD 0.00001; ExAC 0.00002.
gnomAD v4.1: 11 of 1,613,026 alleles (0.00068%); highest among the groups gnomAD compares: Admixed American, 0.0017%; no homozygotes.

Submissions (11):

OLLIN Analises Genomicas, OLLIN
Classification: Uncertain significance for Breast-ovarian cancer, familial, susceptibility to, 3. Last evaluated: 2026-08-06. Review status: criteria provided, single submitter. Criteria: ACMG Guidelines 2015 PMID 25741868. Collection method: clinical testing. Allele origin: germline. Inheritance: Autosomal recessive inheritance.
Comment: This missense variant, located in exon 9 (of 9), has been reported in ClinVar (accession VCV000420041.32) and in gnomAD with an allele frequency of 0.00068%. However, to our knowledge, it has not been reported in the scientific literature. In silico analysis predicts that this variant has a tolerated effect. According to the currently available evidence, this variant has been classified as uncertain significance (BP4).

Labcorp Genetics (formerly Invitae), Labcorp
Classification: Uncertain significance for Fanconi anemia complementation group O. Last evaluated: 2025-12-01. Review status: criteria provided, single submitter. Criteria: Invitae Variant Classification Sherloc (09022015). Collection method: clinical testing. Allele origin: germline.
Comment: This sequence change replaces arginine, which is basic and polar, with glutamine, which is neutral and polar, at codon 366 of the RAD51C protein (p.Arg366Gln). The frequency data for this variant in the population databases is considered unreliable, as metrics indicate poor data quality at this position in the gnomAD database. This missense change has been observed in individual(s) with breast cancer, ovarian cancer, and/or prostate cancer (PMID: 20400964, 35534704, 36099300). ClinVar contains an entry for this variant (Variation ID: 420041). An algorithm developed to predict the effect of missense changes on protein structure and function (PolyPhen-2) suggests that this variant is likely to be tolerated. Experimental studies have shown that this missense change does not substantially affect RAD51C function (PMID: 36099300). Algorithms developed to predict the effect of sequence changes on RNA splicing suggest that this variant may disrupt the consensus splice site. In summary, the available evidence is currently insufficient to determine the role of this variant in disease. Therefore, it has been classified as a Variant of Uncertain Significance.

Ambry Genetics
Classification: Likely benign for Hereditary cancer-predisposing syndrome. Last evaluated: 2025-10-06. Review status: criteria provided, single submitter. Criteria: Ambry Variant Classification Scheme 2023. Collection method: clinical testing. Allele origin: germline.

Quest Diagnostics Nichols Institute San Juan Capistrano
Classification: Uncertain significance. Last evaluated: 2025-04-02. Review status: criteria provided, single submitter. Criteria: Quest Diagnostics criteria. Collection method: clinical testing. Allele origin: unknown.
Comment: The RAD51C c.1097G>A (p.Arg366Gln) variant has been reported in the published literature in individuals with hereditary breast and ovarian cancer (PMID: 20400964 (2010), 38874686 (2024), 33471991 (2021), see also LOVD), as well as in reportedly unaffected individuals (PMID: 33471991 (2021), see also LOVD). Functional studies demonstrated that this variant had a conflicting effect on protein function (PMID: 20400964 (2010), 25292178 (2015), 22167183 (2012), 37253112 (2023), 38134886 (2023)). The frequency of this variant in the general population (Genome Aggregation Database) is uninformative in the assessment of its pathogenicity. Analysis of this variant using bioinformatics tools for the prediction of the effect of amino acid changes on protein structure and function yielded predictions that this variant is damaging. Based on the available information, we are unable to determine the clinical significance of this variant.

Color Diagnostics, LLC DBA Color Health
Classification: Uncertain significance for Hereditary cancer-predisposing syndrome. Last evaluated: 2023-08-23. Review status: criteria provided, single submitter. Criteria: ACMG Guidelines, 2015. Collection method: clinical testing. Allele origin: germline.
Comment: This missense variant replaces arginine with glutamine at codon 366 of the RAD51C protein. Computational prediction is inconclusive regarding the impact of this variant on protein structure and function (internally defined REVEL score threshold 0.5 < inconclusive < 0.7, PMID: 27666373). Functional studies have reported conflicting findings for this variant for which some have reported hypomorphic or partial loss-of-function (PMID: 20400964, 22167183, 25292178), while others reported no impact on normal binding to RAD51 paralogs, sensitivity to cisplatin and Olaparib treatment and function in a homology-directed repair assay (PMID: 36099300, 37253112). This variant has been reported in several individuals affected with personal or family history of breast or ovarian cancer (PMID: 20400964, 23117857, 25470109). This variant also has been detected in a breast cancer case-control meta-analysis in 1/60466 cases and 2/53461 unaffected individuals (PMID: 33471991; Leiden Open Variation Database DB-ID RAD51C_000025). This variant has been identified in 3/249618 chromosomes in the general population by the Genome Aggregation Database (gnomAD). The available evidence is insufficient to determine the role of this variant in disease conclusively. Therefore, this variant is classified as a Variant of Uncertain Significance.

Baylor Genetics
Classification: Uncertain significance for Breast-ovarian cancer, familial, susceptibility to, 3. Last evaluated: 2023-06-16. Review status: criteria provided, single submitter. Criteria: ACMG Guidelines, 2015. Collection method: clinical testing. Allele origin: unknown.

GeneDx
Classification: Uncertain significance. Last evaluated: 2023-02-15. Review status: criteria provided, single submitter. Criteria: GeneDx Variant Classification Process June 2021. Collection method: clinical testing. Allele origin: germline. Affected: yes.
Comment: Observed in at least one family with breast cancer and segregated with disease in two affected relatives; however, tumor analysis from one individual demonstrated no loss of heterozygosity (Meindl et al., 2010; Gevensleben et al., 2014); Published functional studies demonstrate reduced homologous recombination activity compared to wild-type, increased sensitivity to PARP inhibitors, and moderate sensitivity to DNA damaging agents, but no significant difference in RAD51 foci formation or interaction with RAD51B, RAD51D, XRCC2, or XRCC3 (Meindl et al., 2010; Somyajit et al., 2012; Somyajit et al., 2015; Mishra et al., 2018; Prakash et al., 2022); Not observed at significant frequency in large population cohorts (gnomAD); In silico analysis supports that this missense variant does not alter protein structure/function; This variant is associated with the following publications: (PMID: 25470109, 24993905, 25292178, 26740214, 20952512, 20400964, 14704354, 12966089, 36099300, 31567591, 29158291, 28829762, 34910513, 36562461, 22167183, 21537932)

Mendelics
Classification: Uncertain significance. Last evaluated: 2022-05-04. Review status: criteria provided, single submitter. Criteria: Mendelics Assertion Criteria 2019. Collection method: clinical testing. Allele origin: germline.

Laboratory of Molecular Epidemiology of Birth Defects, West China Second University Hospital, Sichuan University
Classification: Likely pathogenic for Ovarian cancer. Last evaluated: 2022-01-01. Review status: criteria provided, single submitter. Criteria: ACMG Guidelines, 2015. Collection method: clinical testing. Allele origin: germline. Affected: yes.

Department of Pathology and Laboratory Medicine, Sinai Health System
Classification: Uncertain significance for Breast-ovarian cancer, familial, susceptibility to, 3. Last evaluated: 2021-08-03. Review status: criteria provided, single submitter. Criteria: ACMG Guidelines, 2015. Collection method: clinical testing. Allele origin: germline. Affected: yes.

Leiden Open Variation Database
Classification: Likely benign. Last evaluated: 2014-11-02. Review status: no assertion criteria provided. Collection method: curation. Allele origin: germline. Affected: yes. Not counted in ClinVar's aggregate classification.
Comment: Curator: Arleen D. Auerbach. Submitter to LOVD: Johan den Dunnen.

Literature cited by the submitters: PubMed 20400964 (cited by 6 submitters); PubMed 35534704 (cited by Labcorp Genetics (formerly Invitae), Labcorp); PubMed 36099300 (cited by Labcorp Genetics (formerly Invitae), Labcorp and Color Diagnostics, LLC DBA Color Health); PubMed 21537932 (cited by Ambry Genetics and Quest Diagnostics Nichols Institute San Juan Capistrano); PubMed 25292178 (cited by 4 submitters); PubMed 29158291 (cited by Ambry Genetics and Quest Diagnostics Nichols Institute San Juan Capistrano); PubMed 31567591 (cited by Ambry Genetics and Quest Diagnostics Nichols Institute San Juan Capistrano); PubMed 37253112 (cited by 3 submitters); PubMed 22167183 (cited by 3 submitters); PubMed 33471991 (cited by Quest Diagnostics Nichols Institute San Juan Capistrano and Color Diagnostics, LLC DBA Color Health); PubMed 38874686 (cited by Quest Diagnostics Nichols Institute San Juan Capistrano); PubMed 38509102 (cited by Quest Diagnostics Nichols Institute San Juan Capistrano); PubMed 38134886 (cited by Quest Diagnostics Nichols Institute San Juan Capistrano); PubMed 23117857 (cited by Color Diagnostics, LLC DBA Color Health); PubMed 25470109 (cited by Color Diagnostics, LLC DBA Color Health).

NM_058216.3(RAD51C):c.1097G>A (p.Arg366Gln)

Gene: RAD51C (RAD51 paralog C; plus strand). Cytogenetic location: 17q22.
Variant type: single nucleotide variant.
Coding change: c.1097G>A on transcript NM_058216.3 (MANE Select); coding-DNA position 1097, G replaced by A.
Protein change: p.Arg366Gln; replaces arginine 366 with glutamine.
Molecular consequence: missense variant. On other transcripts: non-coding transcript variant (1).
Genome position (GRCh38, 1-based): chr17:58,734,188, G>A. VCF-style: chr17-58734188-G-A. GRCh37 (hg19) VCF-style: chr17-56811549-G-A.
Other names: short protein forms R366Q.
Identifiers: ClinVar variation 420041 (VCV000420041.33), dbSNP rs577852020, ClinGen allele CA8677413.